The following is an entry in ClinVar:

ClinVar aggregate classification (germline): Likely benign. Review status: criteria provided, multiple submitters, no conflicts (2 of 4 stars). 3 submissions from 3 submitters: Likely benign (3). Last evaluated 2026-07-01.

Conditions:
Severe combined immunodeficiency due to DNA-PKcs deficiency. Also called: IMMUNODEFICIENCY 26 WITH NEUROLOGIC ABNORMALITIES; Immunodeficiency 26 with or without neurologic abnormalities. Identifiers: Orphanet 317425, MedGen C4014833, MONDO:0014423, OMIM 615966.

Allele frequency attached by ClinVar (database versions not stated): gnomAD exomes 0.00003 and 0.00002; ExAC 0.00002; TOPMed 0.00002; gnomAD 0.00003.
gnomAD v4.1: 52 of 1,611,236 alleles (0.0032%); highest among the groups gnomAD compares: Non-Finnish European, 0.0042%; no homozygotes.

Submissions (3):

CeGaT Center for Human Genetics Tuebingen
Classification: Likely benign. Last evaluated: 2026-07-01. Review status: criteria provided, single submitter. Criteria: CeGaT Center For Human Genetics Tuebingen Variant Classification Criteria Version 2. Collection method: clinical testing. Allele origin: germline. Affected: yes. Observed: 1 variant allele.
Comment: PRKDC: PM2:Supporting, BP4, BP7

Labcorp Genetics (formerly Invitae), Labcorp
Classification: Likely benign for Severe combined immunodeficiency due to DNA-PKcs deficiency. Last evaluated: 2026-01-05. Review status: criteria provided, single submitter. Criteria: Invitae Variant Classification Sherloc (09022015). Collection method: clinical testing. Allele origin: germline.

Ambry Genetics
Classification: Likely benign. Last evaluated: 2022-03-16. Review status: criteria provided, single submitter. Criteria: Ambry Variant Classification Scheme 2023. Collection method: clinical testing. Allele origin: germline.

NM_006904.7(PRKDC):c.1971T>C (p.Ser657=)

Gene: PRKDC (protein kinase, DNA-activated, catalytic subunit; minus strand). Cytogenetic location: 8q11.21.
Variant type: single nucleotide variant.
Coding change: c.1971T>C on transcript NM_006904.7 (MANE Select); coding-DNA position 1971, T replaced by C.
Protein change: p.Ser657=; no amino-acid change (serine 657 retained).
Molecular consequence: synonymous variant.
Genome position (GRCh38, 1-based): chr8:47,929,934, A>G on the plus strand (T>C on the coding strand, the complement: PRKDC is on the minus strand). VCF-style: chr8-47929934-A-G. GRCh37 (hg19) VCF-style: chr8-48842494-A-G.
Other names: c.1971T>C, p.Ser657= (NM_001081640.2).
Identifiers: ClinVar variation 444753 (VCV000444753.53), dbSNP rs766026632, ClinGen allele CA4741582.